The following is an entry in ClinVar:

NM_144631.6(ZNF513):c.1510C>T (p.Leu504Phe)

Gene: ZNF513 (zinc finger protein 513; minus strand). Cytogenetic location: 2p23.3.
Variant type: single nucleotide variant.
Coding change: c.1510C>T on transcript NM_144631.6 (MANE Select); coding-DNA position 1510, C replaced by T.
Protein change: p.Leu504Phe; replaces leucine 504 with phenylalanine.
Molecular consequence: missense variant.
Genome position (GRCh38, 1-based): chr2:27,377,661, G>A on the plus strand (C>T on the coding strand, the complement: ZNF513 is on the minus strand). VCF-style: chr2-27377661-G-A. GRCh37 (hg19) VCF-style: chr2-27600528-G-A.
Other names: c.1324C>T, p.Leu442Phe (NM_001201459.2); short protein forms L442F, L504F.
Identifiers: ClinVar variation 1713932 (VCV001713932.5), dbSNP rs780786889, ClinGen allele CA346214277.
Genomic context (GRCh38, chr2:27,377,661, plus strand): 5'-CCCGAGAGCTCAAAACAGAGGGTGGGCTATGAGGTGGGGCCCAGCCCTCAGAGGCAGAGA[G>A]ACCAGGCCCTCCTGCCCCACCGTGGCCATGCACCTTCTGGTGGCGCTTGTAGTTGTCCCA-3'
Protein context (NP_653232.3, residues 494-514): HGHGGAGGPG[Leu504Phe]SASEGWAPPH

ClinVar aggregate classification (germline): Uncertain significance (1 of 4 stars; one submission).

gnomAD v4.1: 4 of 1,614,184 alleles (0.00025%); highest among the groups gnomAD compares: Non-Finnish European, 0.00034%; no homozygotes.

Submission:

Labcorp Genetics (formerly Invitae), Labcorp
Classification: Uncertain significance. Last evaluated: 2022-07-27. Review status: criteria provided, single submitter. Criteria: Invitae Variant Classification Sherloc (09022015). Collection method: clinical testing. Allele origin: germline.
Comment: This sequence change replaces leucine, which is neutral and non-polar, with phenylalanine, which is neutral and non-polar, at codon 504 of the ZNF513 protein (p.Leu504Phe). This variant is not present in population databases (gnomAD no frequency). This variant has not been reported in the literature in individuals affected with ZNF513-related conditions. Algorithms developed to predict the effect of missense changes on protein structure and function are either unavailable or do not agree on the potential impact of this missense change (SIFT: "Deleterious"; PolyPhen-2: "Possibly Damaging"; Align-GVGD: "Class C0"). In summary, the available evidence is currently insufficient to determine the role of this variant in disease. Therefore, it has been classified as a Variant of Uncertain Significance.